The following is an entry in ClinVar:

ClinVar aggregate classification (germline): Uncertain significance (1 of 4 stars; one submission).

Conditions:
Actin accumulation myopathy (CMYO2A). Also called: CONGENITAL MYOPATHY 2A, TYPICAL, AUTOSOMAL DOMINANT; Myopathy, actin, congenital, with cores; Nemaline myopathy 3, with intranuclear rods; Nemaline myopathy type 3; Myopathy, actin, congenital, with excess of thin myofilaments. Identifiers: Orphanet 98904, MedGen C3711389, MONDO:0008070, OMIM 161800.

Submission:

Labcorp Genetics (formerly Invitae), Labcorp
Classification: Uncertain significance for Actin accumulation myopathy. Last evaluated: 2022-03-09. Review status: criteria provided, single submitter. Criteria: Invitae Variant Classification Sherloc (09022015). Collection method: clinical testing. Allele origin: germline.
Comment: In summary, the available evidence is currently insufficient to determine the role of this variant in disease. Therefore, it has been classified as a Variant of Uncertain Significance. Advanced modeling of protein sequence and biophysical properties (such as structural, functional, and spatial information, amino acid conservation, physicochemical variation, residue mobility, and thermodynamic stability) performed at Invitae indicates that this missense variant is expected to disrupt ACTA1 protein function. ClinVar contains an entry for this variant (Variation ID: 848385). This missense change has been observed in individual(s) with hereditary inclusion body myopathy and/or limb-girdle muscular dystrophy (PMID: 26436962, 28256728). This variant is not present in population databases (gnomAD no frequency). This sequence change replaces alanine, which is neutral and non-polar, with valine, which is neutral and non-polar, at codon 146 of the ACTA1 protein (p.Ala146Val).

Literature cited by the submitters: PubMed 26436962; PubMed 28256728.

NM_001100.4(ACTA1):c.437C>T (p.Ala146Val)

Gene: ACTA1 (actin alpha 1, skeletal muscle; minus strand). Cytogenetic location: 1q42.13.
Variant type: single nucleotide variant.
Coding change: c.437C>T on transcript NM_001100.4 (MANE Select); coding-DNA position 437, C replaced by T.
Protein change: p.Ala146Val; replaces alanine 146 with valine.
Molecular consequence: missense variant.
Genome position (GRCh38, 1-based): chr1:229,432,573, G>A on the plus strand (C>T on the coding strand, the complement: ACTA1 is on the minus strand). VCF-style: chr1-229432573-G-A. GRCh37 (hg19) VCF-style: chr1-229568320-G-A.
Other names: short protein forms A146V.
Identifiers: ClinVar variation 848385 (VCV000848385.10), dbSNP rs1659973054, ClinGen allele CA345149154.